The following is an entry in ClinVar:

ClinVar aggregate classification (germline): Likely benign. Review status: criteria provided, multiple submitters, no conflicts (2 of 4 stars). 5 submissions from 5 submitters: Likely benign (4). 1 of the submissions does not count toward it. Last evaluated 2025-11-19.

Conditions:
NF2-related disorder. Also called: NF2-related condition.
Hereditary cancer-predisposing syndrome. Also called: Neoplastic Syndromes, Hereditary; Hereditary Cancer Syndrome; Tumor predisposition; Hereditary neoplastic syndrome. Identifiers: Orphanet 140162, MedGen C0027672, MeSH D009386, MONDO:0015356.
Neurofibromatosis, type 2 (SWNV). Also called: NF2-Related Schwannomatosis; SCHWANNOMATOSIS, VESTIBULAR; BILATERAL ACOUSTIC NEUROFIBROMATOSIS. Identifiers: Orphanet 637, MedGen C0027832, MONDO:0007039, OMIM 101000. Disease mechanism: loss of function.

Allele frequency attached by ClinVar (database versions not stated): ExAC 0.00003; gnomAD 0.00003 and 0.00004; TOPMed 0.00005; gnomAD exomes 0.00007.
gnomAD v4.1: 48 of 1,612,048 alleles (0.003%); highest among the groups gnomAD compares: Admixed American, 0.03%; no homozygotes.

Submissions (5):

Labcorp Genetics (formerly Invitae), Labcorp
Classification: Likely benign for Neurofibromatosis, type 2. Last evaluated: 2025-11-19. Review status: criteria provided, single submitter. Criteria: Invitae Variant Classification Sherloc (09022015). Collection method: clinical testing. Allele origin: germline.

Color Diagnostics, LLC DBA Color Health
Classification: Likely benign for Neurofibromatosis, type 2. Last evaluated: 2025-06-29. Review status: criteria provided, single submitter. Criteria: ACMG Guidelines, 2015. Collection method: clinical testing. Allele origin: germline.

Blueprint Genetics
Classification: Likely benign. Last evaluated: 2024-11-07. Review status: criteria provided, single submitter. Criteria: ACMG Guidelines, 2015. Collection method: clinical testing. Allele origin: germline.

Ambry Genetics
Classification: Likely benign for Hereditary cancer-predisposing syndrome. Last evaluated: 2017-02-23. Review status: criteria provided, single submitter. Criteria: Ambry Variant Classification Scheme 2023. Collection method: clinical testing. Allele origin: germline.

PreventionGenetics, part of Exact Sciences
Classification: Likely benign for NF2-related condition. Last evaluated: 2021-11-10. Review status: no assertion criteria provided. Collection method: clinical testing. Allele origin: germline. Not counted in ClinVar's aggregate classification.
Comment: This variant is classified as likely benign based on ACMG/AMP sequence variant interpretation guidelines (Richards et al. 2015 PMID: 25741868, with internal and published modifications).

NM_000268.4(NF2):c.1248G>A (p.Ala416=)

Gene: NF2 (NF2, moesin-ezrin-radixin like (MERLIN) tumor suppressor; plus strand). Cytogenetic location: 22q12.2.
Variant type: single nucleotide variant.
Coding change: c.1248G>A on transcript NM_000268.4 (MANE Select); coding-DNA position 1248, G replaced by A.
Protein change: p.Ala416=; no amino-acid change (alanine 416 retained).
Molecular consequence: synonymous variant. On other transcripts: non-coding transcript variant (1), intron variant (1).
Genome position (GRCh38, 1-based): chr22:29,673,394, G>A. VCF-style: chr22-29673394-G-A. GRCh37 (hg19) VCF-style: chr22-30069383-G-A.
Other names: c.1248G>A, p.Ala416= (NM_016418.5, NM_181825.3, NM_181832.3); c.1122G>A, p.Ala374= (NM_181828.3); c.1125G>A, p.Ala375= (NM_181829.3); c.999G>A, p.Ala333= (NM_181830.3, NM_181831.3); c.448-21358G>A (NM_181833.3); c.1248G>A (NM_181832.2).
Identifiers: ClinVar variation 237615 (VCV000237615.19), dbSNP rs759993776, ClinGen allele CA037354.